The following is an entry in ClinVar:

ClinVar aggregate classification (germline): Uncertain significance. Review status: criteria provided, multiple submitters, no conflicts (2 of 4 stars). 2 submissions from 2 submitters: Uncertain significance (2). Last evaluated 2025-08-11.

Conditions:
Inborn genetic diseases. Identifiers: MedGen C0950123, MeSH D030342.

Allele frequency attached by ClinVar (database versions not stated): gnomAD exomes 0.00001 and 0.00004; ExAC 0.00005; ESP Exome Variant Server 0.00016; gnomAD 0.00018 and 0.00019; TOPMed 0.00021; 1000 Genomes Project 30x 0.00031; 1000 Genomes Project 0.00040.
gnomAD v4.1: 38 of 1,611,590 alleles (0.0024%); highest among the groups gnomAD compares: African/African-American, 0.045%; no homozygotes.

Submissions (2):

Ambry Genetics
Classification: Uncertain significance for Inborn genetic diseases. Last evaluated: 2025-08-11. Review status: criteria provided, single submitter. Criteria: Ambry Variant Classification Scheme 2023. Collection method: clinical testing. Allele origin: germline.

GeneDx
Classification: Uncertain significance. Last evaluated: 2021-01-06. Review status: criteria provided, single submitter. Criteria: GeneDx Variant Classification Process June 2021. Collection method: clinical testing. Allele origin: germline. Affected: yes.
Comment: In silico analysis supports that this missense variant does not alter protein structure/function; Has not been previously published as pathogenic or benign to our knowledge

NM_001080453.3(INTS1):c.4514C>T (p.Ala1505Val)

Gene: INTS1 (integrator complex subunit 1; minus strand). Cytogenetic location: 7p22.3.
Variant type: single nucleotide variant.
Coding change: c.4514C>T on transcript NM_001080453.3 (MANE Select); coding-DNA position 4514, C replaced by T.
Protein change: p.Ala1505Val; replaces alanine 1505 with valine.
Molecular consequence: missense variant.
Genome position (GRCh38, 1-based): chr7:1,478,482, G>A on the plus strand (C>T on the coding strand, the complement: INTS1 is on the minus strand). VCF-style: chr7-1478482-G-A. GRCh37 (hg19) VCF-style: chr7-1518118-G-A.
Other names: short protein forms A1505V.
Identifiers: ClinVar variation 1313853 (VCV001313853.5), dbSNP rs371161550, ClinGen allele CA4118810.